The following is an entry in ClinVar:

NM_000540.3(RYR1):c.11229A>C (p.Glu3743Asp)

Gene: RYR1 (ryanodine receptor 1; plus strand). Cytogenetic location: 19q13.2.
Variant type: single nucleotide variant.
Coding change: c.11229A>C on transcript NM_000540.3 (MANE Select); coding-DNA position 11229, A replaced by C.
Protein change: p.Glu3743Asp; replaces glutamic acid 3743 with aspartic acid.
Molecular consequence: missense variant.
Genome position (GRCh38, 1-based): chr19:38,532,706, A>C. VCF-style: chr19-38532706-A-C. GRCh37 (hg19) VCF-style: chr19-39023346-A-C.
Other names: c.11214A>C, p.Glu3738Asp (NM_001042723.2); short protein forms E3738D, E3743D.
Identifiers: ClinVar variation 2649811 (VCV002649811.24), dbSNP rs2514517218, ClinGen allele CA405653167.

ClinVar aggregate classification (germline): Uncertain significance (1 of 4 stars; one submission).

Submission:

CeGaT Center for Human Genetics Tuebingen
Classification: Uncertain significance. Last evaluated: 2022-06-01. Review status: criteria provided, single submitter. Criteria: CeGaT Center For Human Genetics Tuebingen Variant Classification Criteria Version 2. Collection method: clinical testing. Allele origin: germline. Affected: yes. Observed: 1 variant allele.
Comment: RYR1: PM2